The following is an entry in ClinVar:

ClinVar aggregate classification (germline): Likely pathogenic. Review status: criteria provided, multiple submitters, no conflicts (2 of 4 stars). 2 submissions from 2 submitters: Likely pathogenic (2). Last evaluated 2024-06-03.

Conditions:
Ataxia-telangiectasia-like disorder 1 (ATLD1). Identifiers: Orphanet 251347, MedGen C4012790, MONDO:0024557, OMIM 604391.
Ataxia-telangiectasia-like disorder (ATLD). Identifiers: MedGen C1858391, MONDO:0011457.

Submissions (2):

Labcorp Genetics (formerly Invitae), Labcorp
Classification: Likely pathogenic for Ataxia-telangiectasia-like disorder. Last evaluated: 2024-06-03. Review status: criteria provided, single submitter. Criteria: Invitae Variant Classification Sherloc (09022015). Collection method: clinical testing. Allele origin: germline.
Comment: This sequence change affects an acceptor splice site in intron 4 of the MRE11 gene. It is expected to disrupt RNA splicing. Variants that disrupt the donor or acceptor splice site typically lead to a loss of protein function (PMID: 16199547), and loss-of-function variants in MRE11 are known to be pathogenic (PMID: 23080121, 23912341). This variant is not present in population databases (gnomAD no frequency). This variant has not been reported in the literature in individuals affected with MRE11-related conditions. ClinVar contains an entry for this variant (Variation ID: 2173750). Algorithms developed to predict the effect of sequence changes on RNA splicing suggest that this variant may disrupt the consensus splice site. In summary, the currently available evidence indicates that the variant is pathogenic, but additional data are needed to prove that conclusively. Therefore, this variant has been classified as Likely Pathogenic.

Baylor Genetics
Classification: Likely pathogenic for Ataxia-telangiectasia-like disorder 1. Last evaluated: 2023-03-22. Review status: criteria provided, single submitter. Criteria: ACMG Guidelines, 2015. Collection method: clinical testing. Allele origin: unknown.

Literature cited by the submitters: PubMed 16199547 (cited by Labcorp Genetics (formerly Invitae), Labcorp); PubMed 23080121 (cited by Labcorp Genetics (formerly Invitae), Labcorp); PubMed 23912341 (cited by Labcorp Genetics (formerly Invitae), Labcorp).

NM_005591.4(MRE11):c.315-1G>A

Gene: MRE11 (MRE11 double strand break repair nuclease; minus strand). Cytogenetic location: 11q21.
Variant type: single nucleotide variant.
Coding change: c.315-1G>A on transcript NM_005591.4 (MANE Select); the canonical splice acceptor site of the intron before coding-DNA position 315, G replaced by A.
Molecular consequence: splice acceptor variant.
Genome position (GRCh38, 1-based): chr11:94,479,762, C>T on the plus strand (G>A on the coding strand, the complement: MRE11 is on the minus strand). VCF-style: chr11-94479762-C-T. GRCh37 (hg19) VCF-style: chr11-94212928-C-T.
Other names: c.315-1G>A (NM_001330347.2, NM_005590.4).
Identifiers: ClinVar variation 2173750 (VCV002173750.5), dbSNP rs866104898, ClinGen allele CA226537914.
Genomic context (GRCh38, chr11:94,479,762, plus strand): 5'-ATACTAAACACTGGAATTGAAATGTTGAGGTTGCCATCTTGATAGTTCACCCATGGAAAC[C>T]TTAAAAAAAAAAAGTTACTTAAAATTTCCATACGGGACAAAAGCTGTTTTCCCTAAGATT-3'